The following is an entry in ClinVar:

NM_001372.4(DNAH9):c.2852G>T (p.Gly951Val)

Genes: DNAH9 (dynein axonemal heavy chain 9; plus strand), LOC126862505 (BRD4-independent group 4 enhancer GRCh37_chr17:11572478-11573677; plus strand). Cytogenetic location: 17p12.
Variant type: single nucleotide variant.
Coding change: c.2852G>T on transcript NM_001372.4 (MANE Select); coding-DNA position 2852, G replaced by T.
Protein change: p.Gly951Val; replaces glycine 951 with valine.
Molecular consequence: missense variant.
Genome position (GRCh38, 1-based): chr17:11,669,184, G>T. VCF-style: chr17-11669184-G-T. GRCh37 (hg19) VCF-style: chr17-11572501-G-T.
Other names: short protein forms G951V.
Identifiers: ClinVar variation 2070165 (VCV002070165.3), dbSNP rs540227110, ClinGen allele CA8395294.
Genomic context (GRCh38, chr17:11,669,184, plus strand): 5'-TAGTTTTCTATCCGTCTCTGGAGTCTGGAGTGAAGGGGGGTTTCTGTGACATTGTTGAGG[G>T]TCTCATCACCAGCATTTTTAGGATACCATCTCTGGTGCCACGGCTTTCCCCACAAAATGG-3'
Protein context (NP_001363.2, residues 941-961): VKGGFCDIVE[Gly951Val]LITSIFRIPS

ClinVar aggregate classification (germline): Uncertain significance (1 of 4 stars; one submission).

Allele frequency attached by ClinVar (database versions not stated): ExAC 0.00001; gnomAD 0.00001; TOPMed 0.00001; gnomAD exomes 0.00002.

Submission:

Labcorp Genetics (formerly Invitae), Labcorp
Classification: Uncertain significance. Last evaluated: 2025-03-17. Review status: criteria provided, single submitter. Criteria: Invitae Variant Classification Sherloc (09022015). Collection method: clinical testing. Allele origin: germline.
Comment: This sequence change replaces glycine, which is neutral and non-polar, with valine, which is neutral and non-polar, at codon 951 of the DNAH9 protein (p.Gly951Val). This variant is present in population databases (rs540227110, gnomAD 0.003%). This variant has not been reported in the literature in individuals affected with DNAH9-related conditions. ClinVar contains an entry for this variant (Variation ID: 2070165). Invitae Evidence Modeling of protein sequence and biophysical properties (such as structural, functional, and spatial information, amino acid conservation, physicochemical variation, residue mobility, and thermodynamic stability) indicates that this missense variant is not expected to disrupt DNAH9 protein function with a negative predictive value of 80%. In summary, the available evidence is currently insufficient to determine the role of this variant in disease. Therefore, it has been classified as a Variant of Uncertain Significance.